The following is an entry in ClinVar:

ClinVar aggregate classification (germline): Uncertain significance (1 of 4 stars; one submission).

Conditions:
Congenital sensory neuropathy with selective loss of small myelinated fibers (HSAN5). Also called: HSAN Type V. Identifiers: Orphanet 64752, MedGen C0020075, MONDO:0012092, OMIM 608654.

Submission:

Labcorp Genetics (formerly Invitae), Labcorp
Classification: Uncertain significance for Congenital sensory neuropathy with selective loss of small myelinated fibers. Last evaluated: 2020-10-05. Review status: criteria provided, single submitter. Criteria: Invitae Variant Classification Sherloc (09022015). Collection method: clinical testing. Allele origin: germline.
Comment: In summary, the available evidence is currently insufficient to determine the role of this variant in disease. Therefore, it has been classified as a Variant of Uncertain Significance. Algorithms developed to predict the effect of sequence changes on RNA splicing suggest that this variant may create or strengthen a splice site, but this prediction has not been confirmed by published transcriptional studies. Algorithms developed to predict the effect of missense changes on protein structure and function (SIFT, PolyPhen-2, Align-GVGD) all suggest that this variant is likely to be disruptive, but these predictions have not been confirmed by published functional studies and their clinical significance is uncertain. This variant has not been reported in the literature in individuals with NGF-related conditions. This variant is not present in population databases (ExAC no frequency). This sequence change replaces glycine with valine at codon 191 of the NGF protein (p.Gly191Val). The glycine residue is highly conserved and there is a moderate physicochemical difference between glycine and valine.

NM_002506.3(NGF):c.572G>T (p.Gly191Val)

Genes: NGF (nerve growth factor; minus strand), NGF-AS1 (NGF antisense RNA 1; plus strand). Cytogenetic location: 1p13.2.
Variant type: single nucleotide variant.
Coding change: c.572G>T on transcript NM_002506.3 (MANE Select); coding-DNA position 572, G replaced by T.
Protein change: p.Gly191Val; replaces glycine 191 with valine.
Molecular consequence: missense variant.
Genome position (GRCh38, 1-based): chr1:115,286,224, C>A on the plus strand (G>T on the coding strand, the complement: NGF is on the minus strand). VCF-style: chr1-115286224-C-A. GRCh37 (hg19) VCF-style: chr1-115828845-C-A.
Other names: short protein forms G191V.
Identifiers: ClinVar variation 1063239 (VCV001063239.9), dbSNP rs2101018470, ClinGen allele CA341836252.
Genomic context (GRCh38, chr1:115,286,224, plus strand): 5'-AGCGCCTTGACAAAGGTGTGAGTCGTGGTACAATATGAGTTCCAGTGCTTTGAGTCAATG[C>A]CCCGGCACCCGCTGTCAACGGGATTTGGGTCCCGGCACTTGGTCTCAAAAAAGTACTGTT-3'
Protein context (NP_002497.2, residues 181-201): DPNPVDSGCR[Gly191Val]IDSKHWNSYC